The following is an entry in ClinVar:

NM_173851.3(SLC30A8):c.724-5del

Gene: SLC30A8 (solute carrier family 30 member 8; plus strand). Cytogenetic location: 8q24.11.
Variant type: Deletion.
Coding change: c.724-5del on transcript NM_173851.3 (MANE Select); 5 bases into the intron before coding-DNA position 724, one base deleted (T; older notation c.724-5delT).
Molecular consequence: intron variant.
Genome position (GRCh38, 1-based): chr8:117,163,420, T deleted; the last of 9 consecutive T bases (chr8:117,163,412-117,163,420); deleting any one gives the same sequence. VCF-style (leftmost placement, unchanged base first): chr8-117163411-GT-G. GRCh37 (hg19) VCF-style: chr8-118175650-GT-G.
Other names: NC_000008.10:g.118175659del; c.577-5del (NM_001172811.2, NM_001172813.2, NM_001172815.3 and 1 more transcripts).
Identifiers: ClinVar variation 4290709 (VCV004290709.2).

ClinVar aggregate classification (germline): Likely benign (1 of 4 stars; one submission).

Submissions (2):

CeGaT Center for Human Genetics Tuebingen
Classification: Likely benign. Last evaluated: 2026-08-01. Review status: criteria provided, single submitter. Criteria: CeGaT Center For Human Genetics Tuebingen Variant Classification Criteria Version 2. Collection method: clinical testing. Allele origin: germline. Affected: yes. Observed: 1 variant allele.
Comment: SLC30A8: BP4, BS1

Dr. Peter K. Rogan Lab, Western University
No classification provided (evidence only). Condition: Malignant lymphoma, large B-cell, diffuse. Review status: no classification provided. Collection method: in vitro. Allele origin: not applicable. Functional consequence: retained intron. Not counted in ClinVar's aggregate classification.